The following is an entry in ClinVar:

NM_007194.4(CHEK2):c.498T>G (p.Asn166Lys)

Gene: CHEK2 (checkpoint kinase 2; minus strand). Cytogenetic location: 22q12.1.
Variant type: single nucleotide variant.
Coding change: c.498T>G on transcript NM_007194.4 (MANE Select); coding-DNA position 498, T replaced by G.
Protein change: p.Asn166Lys; replaces asparagine 166 with lysine.
Molecular consequence: missense variant. On other transcripts: 5 prime UTR variant (2), intron variant (1).
Genome position (GRCh38, 1-based): chr22:28,725,071, A>C on the plus strand (T>G on the coding strand, the complement: CHEK2 is on the minus strand). VCF-style: chr22-28725071-A-C. GRCh37 (hg19) VCF-style: chr22-29121059-A-C.
Other names: c.627T>G, p.Asn209Lys (NM_001005735.3, NM_001438294.1); c.-280T>G (NM_001257387.3); c.-166T>G (NM_001437942.1); c.591T>G, p.Asn197Lys (NM_001438293.1, NM_001438295.1); c.498T>G, p.Asn166Lys (NM_145862.3); c.445-148T>G (NM_001349956.3); short protein forms N209K, N166K, N197K.
Identifiers: ClinVar variation 1744595 (VCV001744595.2), dbSNP rs759868962, ClinGen allele CA411107465.

ClinVar aggregate classification (germline): Uncertain significance (1 of 4 stars; one submission).

Conditions:
Hereditary cancer-predisposing syndrome. Also called: Hereditary Cancer Syndrome; Neoplastic Syndromes, Hereditary; Tumor predisposition; Hereditary neoplastic syndrome. Identifiers: Orphanet 140162, MedGen C0027672, MeSH D009386, MONDO:0015356.

Submission:

Ambry Genetics
Classification: Uncertain significance for Hereditary cancer-predisposing syndrome. Last evaluated: 2022-02-07. Review status: criteria provided, single submitter. Criteria: Ambry Variant Classification Scheme 2023. Collection method: clinical testing. Allele origin: germline.
Comment: The p.N166K variant (also known as c.498T>G), located in coding exon 3 of the CHEK2 gene, results from a T to G substitution at nucleotide position 498. The asparagine at codon 166 is replaced by lysine, an amino acid with similar properties. This amino acid position is conserved. In addition, the in silico prediction for this alteration is inconclusive. Since supporting evidence is limited at this time, the clinical significance of this alteration remains unclear.